The following is an entry in ClinVar:

NM_000393.5(COL5A2):c.1171_1172delinsGT (p.Pro391Val)

Gene: COL5A2 (collagen type V alpha 2 chain; minus strand). Cytogenetic location: 2q32.2.
Variant type: Indel.
Coding change: c.1171_1172delinsGT on transcript NM_000393.5 (MANE Select); coding-DNA positions 1171 to 1172, CC replaced by GT.
Protein change: p.Pro391Val; replaces proline 391 with valine.
Molecular consequence: missense variant.
Genome position (GRCh38, 1-based): chr2:189,068,871-189,068,872, GG replaced by AC on the plus strand (CC replaced by GT on the coding strand, the reverse complement: COL5A2 is on the minus strand). VCF-style: chr2-189068871-GG-AC. GRCh37 (hg19) VCF-style: chr2-189933597-GG-AC.
Other names: short protein forms P391V.
Identifiers: ClinVar variation 2905925 (VCV002905925.3), dbSNP rs2469314465, ClinGen allele CA2739278375.

ClinVar aggregate classification (germline): Uncertain significance (1 of 4 stars; one submission).

Conditions:
Ehlers-Danlos syndrome, classic type, 1 (EDSCL1). Also called: EDS I; EHLERS-DANLOS SYNDROME, GRAVIS TYPE; EHLERS-DANLOS SYNDROME, SEVERE CLASSIC TYPE; Ehlers-Danlos syndrome, type 1; Ehlers-Danlos Syndrome, Classic Type, COL5A1-Related. Identifiers: MedGen C0268335, MONDO:0019567, OMIM 130000.

Submission:

Labcorp Genetics (formerly Invitae), Labcorp
Classification: Uncertain significance for Ehlers-Danlos syndrome, classic type, 1. Last evaluated: 2025-09-11. Review status: criteria provided, single submitter. Criteria: Invitae Variant Classification Sherloc (09022015). Collection method: clinical testing. Allele origin: germline.
Comment: This sequence change replaces proline, which is neutral and non-polar, with valine, which is neutral and non-polar, at codon 391 of the COL5A2 protein (p.Pro391Val). Information on the frequency of this variant in the gnomAD database is not available, as this variant may be reported differently in the database. This variant has not been reported in the literature in individuals affected with COL5A2-related conditions. ClinVar contains an entry for this variant (Variation ID: 2905925). An algorithm developed to predict the effect of missense changes on protein structure and function (PolyPhen-2) suggests that this variant is likely to be disruptive. In summary, the available evidence is currently insufficient to determine the role of this variant in disease. Therefore, it has been classified as a Variant of Uncertain Significance.